The following is an entry in ClinVar:

ClinVar aggregate classification (germline): Conflicting classifications of pathogenicity. Review status: criteria provided, conflicting classifications (1 of 4 stars). 9 submissions from 9 submitters: Uncertain significance (1); Benign (1); Likely benign (3). 4 of the submissions do not count toward it. Last evaluated 2026-01-15.

Conditions:
Inborn genetic diseases. Identifiers: MedGen C0950123, MeSH D030342.
Conotruncal heart malformations (CTHM). Also called: Conotruncal heart malformations, variable. Identifiers: Orphanet 2445, Orphanet 3384, Orphanet 3426, MedGen C1857586, MONDO:0016581, OMIM 217095.
Intellectual developmental disorder, X-linked 93. Also called: Intellectual disability, X-linked 93; MENTAL RETARDATION, X-LINKED, WITH MACROCEPHALY. Identifiers: MedGen C1970841, MONDO:0010393, OMIM 300659.
Intellectual disability. Also called: Intellectual functioning disability; intellectual disabilities; Intellectual developmental disorder. Identifiers: MedGen C3714756, MeSH D008607, MONDO:0001071, HP:0001249.

Allele frequency attached by ClinVar (database versions not stated): ESP Exome Variant Server 0.00019; 1000 Genomes Project 30x 0.00021; ExAC 0.00025; gnomAD 0.00031 and 0.00032; TOPMed 0.00032; gnomAD exomes 0.00038 and 0.00077.
gnomAD v4.1: 860 of 1,203,059 alleles (0.071%); highest among the groups gnomAD compares: Non-Finnish European, 0.092%; no homozygotes.

Submissions (9):

Labcorp Genetics (formerly Invitae), Labcorp
Classification: Likely benign. Last evaluated: 2026-01-15. Review status: criteria provided, single submitter. Criteria: Invitae Variant Classification Sherloc (09022015). Collection method: clinical testing. Allele origin: germline.

Blueprint Genetics
Classification: Likely benign. Last evaluated: 2024-09-17. Review status: criteria provided, single submitter. Criteria: ACMG Guidelines, 2015. Collection method: clinical testing. Allele origin: germline.

Cambridge Genomics Laboratory, East Genomic Laboratory Hub, NHS Genomic Medicine Service
Classification: Benign for Conotruncal heart malformations. Last evaluated: 2019-06-21. Review status: criteria provided, single submitter. Criteria: ACGS Best Practice Guidelines for Variant Classification in Rare Disease 2020. Collection method: clinical testing. Allele origin: germline. Affected: yes. Observed: 1 variant allele.

Genetic Services Laboratory, University of Chicago
Classification: Likely benign. Last evaluated: 2015-01-29. Review status: criteria provided, single submitter. Criteria: ACMG Guidelines, 2015. Collection method: clinical testing. Allele origin: germline.

Ambry Genetics
Classification: Uncertain significance for Inborn genetic diseases. Last evaluated: 2014-08-18. Review status: criteria provided, single submitter. Criteria: Ambry Variant Classification Scheme 2023. Collection method: clinical testing. Allele origin: germline.
Comment: The p.G1701R variant (also known as c.5101G>A), located in coding exon 41 of the BRWD3 gene, results from a G to A substitution at nucleotide position 5101. The glycine at codon 1701 is replaced by arginine, an amino acid with dissimilar properties. This variant was previously reported in the SNPDatabase as rs200751676. Based on data from the NHLBI Exome Sequencing Project (ESP), the A allele was absent out of 2443 total male alleles studied. This amino acid position is not conserved on species alignment. In addition, this alteration is predicted to be tolerated by in silico analysis. Since supporting evidence is limited at this time, the clinical significance of this variant remains unclear.

Centre de Biologie Pathologie Génétique, Centre Hospitalier Universitaire de Lille
Classification: Likely benign for Intellectual disability. Last evaluated: 2019-01-01. Review status: no assertion criteria provided. Collection method: clinical testing. Allele origin: inherited. Affected: yes. Not counted in ClinVar's aggregate classification.

Clinical Genetics DNA and cytogenetics Diagnostics Lab, Erasmus MC, Erasmus Medical Center
Classification: Likely benign. Review status: no assertion criteria provided. Collection method: clinical testing. Allele origin: germline. Affected: yes. Study: VKGL Data-share Consensus. Not counted in ClinVar's aggregate classification.

Diagnostic Laboratory, Department of Genetics, University Medical Center Groningen
Classification: Likely benign for Intellectual developmental disorder, X-linked 93. Review status: no assertion criteria provided. Collection method: clinical testing. Allele origin: germline. Affected: yes. Study: VKGL Data-share Consensus. Not counted in ClinVar's aggregate classification.

Genome Diagnostics Laboratory, University Medical Center Utrecht
Classification: Likely benign. Review status: no assertion criteria provided. Collection method: clinical testing. Allele origin: germline. Affected: yes. Study: VKGL Data-share Consensus. Not counted in ClinVar's aggregate classification.

NM_153252.5(BRWD3):c.5101G>A (p.Gly1701Arg)

Gene: BRWD3 (bromodomain and WD repeat domain containing 3; minus strand). Cytogenetic location: Xq21.1.
Variant type: single nucleotide variant.
Coding change: c.5101G>A on transcript NM_153252.5 (MANE Select); coding-DNA position 5101, G replaced by A.
Protein change: p.Gly1701Arg; replaces glycine 1701 with arginine.
Molecular consequence: missense variant.
Genome position (GRCh38, 1-based): chrX:80,676,917, C>T on the plus strand (G>A on the coding strand, the complement: BRWD3 is on the minus strand). VCF-style: chrX-80676917-C-T. GRCh37 (hg19) VCF-style: chrX-79932416-C-T.
Other names: short protein forms G1701R.
Identifiers: ClinVar variation 210542 (VCV000210542.17), dbSNP rs200751676, ClinGen allele CA209951.